The following is an entry in ClinVar:

NM_057175.5(NAA15):c.2051G>A (p.Arg684Lys)

Gene: NAA15 (N-alpha-acetyltransferase 15, NatA auxiliary subunit; plus strand). Cytogenetic location: 4q31.1.
Variant type: single nucleotide variant.
Coding change: c.2051G>A on transcript NM_057175.5 (MANE Select); coding-DNA position 2051, G replaced by A.
Protein change: p.Arg684Lys; replaces arginine 684 with lysine.
Molecular consequence: missense variant.
Genome position (GRCh38, 1-based): chr4:139,376,468, G>A. VCF-style: chr4-139376468-G-A. GRCh37 (hg19) VCF-style: chr4-140297622-G-A.
Other names: c.2051G>A, p.Arg684Lys (NM_001410842.1); c.*460G>A (NM_025085.2); short protein forms R684K.
Identifiers: ClinVar variation 2136167 (VCV002136167.1), dbSNP rs1219495624, ClinGen allele CA358270175.

ClinVar aggregate classification (germline): Uncertain significance (1 of 4 stars; one submission).

Allele frequency attached by ClinVar (database versions not stated): gnomAD exomes below 0.00001; TOPMed below 0.00001.
gnomAD v4.1: 1 of 1,594,926 alleles (0.000063%); highest among the groups gnomAD compares: Non-Finnish European, 0.000086%; no homozygotes.

Submission:

GeneDx
Classification: Uncertain significance. Last evaluated: 2022-07-22. Review status: criteria provided, single submitter. Criteria: GeneDx Variant Classification Process June 2021. Collection method: clinical testing. Allele origin: germline. Affected: yes.
Comment: Not observed at significant frequency in large population cohorts (gnomAD); In silico analysis supports that this missense variant has a deleterious effect on protein structure/function; Has not been previously published as pathogenic or benign to our knowledge